The following is an entry in ClinVar:

ClinVar aggregate classification (germline): Likely benign (0 of 4 stars; one submission).

Conditions:
OBSL1-related disorder. Also called: OBSL1-related condition.

Allele frequency attached by ClinVar (database versions not stated): gnomAD 0.00004; 1000 Genomes Project 30x 0.00016; ExAC 0.00118.
gnomAD v4.1: 90 of 1,467,812 alleles (0.0061%); highest among the groups gnomAD compares: South Asian, 0.091%; no homozygotes.

Submission:

PreventionGenetics, part of Exact Sciences
Classification: Likely benign for OBSL1-related condition. Last evaluated: 2019-07-17. Review status: no assertion criteria provided. Collection method: clinical testing. Allele origin: germline.
Comment: This variant is classified as likely benign based on ACMG/AMP sequence variant interpretation guidelines (Richards et al. 2015 PMID: 25741868, with internal and published modifications).

NM_015311.3(OBSL1):c.120G>C (p.Pro40=)

Gene: OBSL1 (obscurin like cytoskeletal adaptor 1; minus strand). Cytogenetic location: 2q35.
Variant type: single nucleotide variant.
Coding change: c.120G>C on transcript NM_015311.3 (MANE Select); coding-DNA position 120, G replaced by C.
Protein change: p.Pro40=; no amino-acid change (proline 40 retained).
Molecular consequence: synonymous variant.
Genome position (GRCh38, 1-based): chr2:219,571,113, C>G on the plus strand (G>C on the coding strand, the complement: OBSL1 is on the minus strand). VCF-style: chr2-219571113-C-G. GRCh37 (hg19) VCF-style: chr2-220435835-C-G.
Other names: c.120G>C, p.Pro40= (NM_001173408.2, NM_001173431.2).
Identifiers: ClinVar variation 3049893 (VCV003049893.2), dbSNP rs750185925, ClinGen allele CA2131822.